The following is an entry in ClinVar:

ClinVar aggregate classification (germline): Uncertain significance (1 of 4 stars; one submission).

Conditions:
Autosomal recessive ataxia, Beauce type. Also called: SYNE1-Related Autosomal Recessive Cerebellar Ataxia; Spinocerebellar ataxia, autosomal recessive 8; ATAXIA, RECESSIVE, OF BEAUCE; SYNE1 Deficiency. Identifiers: Orphanet 88644, MedGen C1853116, MONDO:0012549, OMIM 610743.
Emery-Dreifuss muscular dystrophy 4, autosomal dominant (EDMD4). Also called: EMERY-DREIFUSS MUSCULAR DYSTROPHY 4 WITH VARIABLE FEATURES. Identifiers: Orphanet 261, MedGen C2751807, MONDO:0013071, OMIM 612998.

Allele frequency attached by ClinVar (database versions not stated): gnomAD 0.00001.
gnomAD v4.1: 13 of 1,613,754 alleles (0.00081%); highest among the groups gnomAD compares: East Asian, 0.0022%; no homozygotes.

Submission:

Labcorp Genetics (formerly Invitae), Labcorp
Classification: Uncertain significance for Emery-Dreifuss muscular dystrophy 4, autosomal dominant; Autosomal recessive ataxia, Beauce type. Last evaluated: 2021-09-04. Review status: criteria provided, single submitter. Criteria: Invitae Variant Classification Sherloc (09022015). Collection method: clinical testing. Allele origin: germline.
Comment: In summary, the available evidence is currently insufficient to determine the role of this variant in disease. Therefore, it has been classified as a Variant of Uncertain Significance. This sequence change replaces alanine with proline at codon 4211 of the SYNE1 protein (p.Ala4211Pro). The alanine residue is highly conserved and there is a small physicochemical difference between alanine and proline. This variant is not present in population databases (ExAC no frequency). This variant has not been reported in the literature in individuals affected with SYNE1-related conditions. Algorithms developed to predict the effect of missense changes on protein structure and function (SIFT, PolyPhen-2, Align-GVGD) all suggest that this variant is likely to be disruptive.

NM_182961.4(SYNE1):c.12844G>C (p.Ala4282Pro)

Gene: SYNE1 (spectrin repeat containing nuclear envelope protein 1; minus strand). Cytogenetic location: 6q25.2.
Variant type: single nucleotide variant.
Coding change: c.12844G>C on transcript NM_182961.4 (MANE Select); coding-DNA position 12844, G replaced by C.
Protein change: p.Ala4282Pro; replaces alanine 4282 with proline.
Molecular consequence: missense variant.
Genome position (GRCh38, 1-based): chr6:152,331,841, C>G on the plus strand (G>C on the coding strand, the complement: SYNE1 is on the minus strand). VCF-style: chr6-152331841-C-G. GRCh37 (hg19) VCF-style: chr6-152652976-C-G.
Other names: c.12631G>C, p.Ala4211Pro (NM_033071.5); short protein forms A4211P, A4282P.
Identifiers: ClinVar variation 1461084 (VCV001461084.6), dbSNP rs1384390262, ClinGen allele CA366104979.
Genomic context (GRCh38, chr6:152,331,841, plus strand): 5'-TTTTCTGCTTTTGATCTTTCAGATCTTCAATAGCATACTTTCTCTCCTGCAATGCCAATG[C>G]TAACTTTTTCAAAGCTTCCAGGTGGACAGCTGTACTCTCTGCATCAGATCTGAAAATACA-3'
Protein context (NP_892006.3, residues 4272-4292): AVHLEALKKL[Ala4282Pro]LALQERKYAI